The following is an entry in ClinVar:

ClinVar aggregate classification (germline): Uncertain significance (1 of 4 stars; one submission).

Conditions:
Cardiovascular phenotype. Identifiers: MedGen CN230736.

Allele frequency attached by ClinVar (database versions not stated): gnomAD exomes below 0.00001.
gnomAD v4.1: 1 of 1,613,910 alleles (0.000062%); highest among the groups gnomAD compares: Non-Finnish European, 0.000085%; no homozygotes.

Submission:

Ambry Genetics
Classification: Uncertain significance for Cardiovascular phenotype. Last evaluated: 2021-10-12. Review status: criteria provided, single submitter. Criteria: Ambry Variant Classification Scheme 2023. Collection method: clinical testing. Allele origin: germline.
Comment: The p.G2352D variant (also known as c.7055G>A), located in coding exon 38 of the ANK2 gene, results from a G to A substitution at nucleotide position 7055. The glycine at codon 2352 is replaced by aspartic acid, an amino acid with similar properties. This amino acid position is poorly conserved in available vertebrate species. In addition, this alteration is predicted to be tolerated by in silico analysis. Since supporting evidence is limited at this time, the clinical significance of this alteration remains unclear.

NM_001148.6(ANK2):c.7055G>A (p.Gly2352Asp)

Genes: ANK2 (ankyrin 2; plus strand), LOC126807137 (CDK7 strongly-dependent group 2 enhancer GRCh37_chr4:114276560-114277759; plus strand). Cytogenetic location: 4q26.
Variant type: single nucleotide variant.
Coding change: c.7055G>A on transcript NM_001148.6 (MANE Select); coding-DNA position 7055, G replaced by A.
Protein change: p.Gly2352Asp; replaces glycine 2352 with aspartic acid.
Molecular consequence: missense variant. On other transcripts: intron variant (68).
Genome position (GRCh38, 1-based): chr4:113,355,673, G>A. VCF-style: chr4-113355673-G-A. GRCh37 (hg19) VCF-style: chr4-114276829-G-A.
Other names: c.6821G>A, p.Gly2274Asp (NM_001386142.1); c.3455G>A, p.Gly1152Asp (NM_001386166.1); c.7196G>A, p.Gly2399Asp (NM_001386174.1); c.7172G>A, p.Gly2391Asp (NM_001386175.1); c.4412-5150G>A (NM_001386186.2, NM_001386148.2); c.4214-5150G>A (NM_001354269.3); c.4292-5150G>A (NM_001386187.2); c.4253-5150G>A (NM_001386147.1); and 35 more; short protein forms G2352D, G2399D, G1152D, G2274D, G2391D.
Identifiers: ClinVar variation 1756901 (VCV001756901.2), dbSNP rs2505665700, ClinGen allele CA357929267.
Genomic context (GRCh38, chr4:113,355,673, plus strand): 5'-GTGTAGCATTAGCTAAAGAGACACCTACAGGACTGACTGAGGAGGCAGCCTGTGATGAAG[G>A]TCAACGTACCTTTGGTAGTTCAGCCCACAAGACACAAACTGATAGTGAGGTTCAAGAATC-3'
Protein context (NP_001139.3, residues 2342-2362): GLTEEAACDE[Gly2352Asp]QRTFGSSAHK